The following is an entry in ClinVar:

ClinVar aggregate classification (germline): Uncertain significance. Review status: criteria provided, multiple submitters, no conflicts (2 of 4 stars). 2 submissions from 2 submitters: Uncertain significance (2). Last evaluated 2025-07-26.

Conditions:
Early-infantile DEE. Also called: Early infantile epileptic encephalopathy with suppression bursts; Early infantile epileptic encephalopathy; Ohtahara syndrome. Identifiers: Orphanet 1934, MedGen C0393706, MONDO:0800491.

Submissions (2):

GeneDx
Classification: Uncertain significance. Last evaluated: 2025-07-26. Review status: criteria provided, single submitter. Criteria: GeneDx Variant Classification Process June 2021. Collection method: clinical testing. Allele origin: germline. Affected: yes.
Comment: Not observed at significant frequency in large population cohorts (gnomAD); In silico analysis supports that this missense variant has a deleterious effect on protein structure/function; Has not been previously published as pathogenic or benign to our knowledge

Labcorp Genetics (formerly Invitae), Labcorp
Classification: Uncertain significance for Early-infantile DEE. Last evaluated: 2022-07-28. Review status: criteria provided, single submitter. Criteria: Invitae Variant Classification Sherloc (09022015). Collection method: clinical testing. Allele origin: germline.
Comment: This sequence change replaces threonine, which is neutral and polar, with alanine, which is neutral and non-polar, at codon 1703 of the SCN8A protein (p.Thr1703Ala). This variant is not present in population databases (gnomAD no frequency). This variant has not been reported in the literature in individuals affected with SCN8A-related conditions. Algorithms developed to predict the effect of missense changes on protein structure and function are either unavailable or do not agree on the potential impact of this missense change (SIFT: "Deleterious"; PolyPhen-2: "Probably Damaging"; Align-GVGD: "Class C0"). In summary, the available evidence is currently insufficient to determine the role of this variant in disease. Therefore, it has been classified as a Variant of Uncertain Significance.

NM_001330260.2(SCN8A):c.5107A>G (p.Thr1703Ala)

Gene: SCN8A (sodium voltage-gated channel alpha subunit 8; plus strand). Cytogenetic location: 12q13.13.
Variant type: single nucleotide variant.
Coding change: c.5107A>G on transcript NM_001330260.2 (MANE Select); coding-DNA position 5107, A replaced by G.
Protein change: p.Thr1703Ala; replaces threonine 1703 with alanine.
Molecular consequence: missense variant.
Genome position (GRCh38, 1-based): chr12:51,806,593, A>G. VCF-style: chr12-51806593-A-G. GRCh37 (hg19) VCF-style: chr12-52200377-A-G.
Other names: c.5107A>G (NM_014191.3); c.4984A>G, p.Thr1662Ala (NM_001177984.3, NM_001369788.1); c.5107A>G, p.Thr1703Ala (NM_014191.4); short protein forms T1662A, T1703A.
Identifiers: ClinVar variation 1713496 (VCV001713496.6), dbSNP rs2540334212, ClinGen allele CA384883383.